The following is an entry in ClinVar:

NM_002294.3(LAMP2):c.877C>T (p.Arg293Ter)

Gene: LAMP2 (lysosome associated membrane protein 2; minus strand). Cytogenetic location: Xq24.
Variant type: single nucleotide variant.
Coding change: c.877C>T on transcript NM_002294.3 (MANE Select); coding-DNA position 877, C replaced by T.
Protein change: p.Arg293Ter; replaces arginine 293 with a stop codon.
Molecular consequence: nonsense.
Genome position (GRCh38, 1-based): chrX:120,442,650, G>A on the plus strand (C>T on the coding strand, the complement: LAMP2 is on the minus strand). VCF-style: chrX-120442650-G-A. GRCh37 (hg19) VCF-style: chrX-119576505-G-A.
Other names: c.877C>T, p.Arg293Ter (NM_001122606.1, NM_013995.2); short protein forms R293*.
Identifiers: ClinVar variation 163812 (VCV000163812.24), dbSNP rs727503118, ClinGen allele CA176513.

ClinVar aggregate classification (germline): Pathogenic. Review status: criteria provided, multiple submitters, no conflicts (2 of 4 stars). 7 submissions from 7 submitters: Pathogenic (7). Last evaluated 2025-10-02.

Conditions:
Danon disease. Also called: Glycogen Storage Disease Type IIb; ANTOPOL DISEASE; PSEUDOGLYCOGENOSIS II; GSD IIb; LYSOSOMAL GLYCOGEN STORAGE DISEASE WITHOUT ACID MALTASE DEFICIENCY. Identifiers: Orphanet 34587, MedGen C0878677, MONDO:0010281, OMIM 300257.
Cardiovascular phenotype. Identifiers: MedGen CN230736.
LAMP2-related disorders.
Hypertrophic cardiomyopathy. Also called: HYPERTROPHIC MYOCARDIOPATHY. Identifiers: Orphanet 217569, MedGen C0007194, MeSH D002312, MONDO:0005045, HP:0001639.

Submissions (7):

Ambry Genetics
Classification: Pathogenic for Cardiovascular phenotype. Last evaluated: 2025-10-02. Review status: criteria provided, single submitter. Criteria: Ambry Variant Classification Scheme 2023. Collection method: clinical testing. Allele origin: germline.
Comment: The p.R293* pathogenic mutation (also known as c.877C>T), located in coding exon 7 of the LAMP2 gene, results from a C to T substitution at nucleotide position 877. This changes the amino acid from an arginine to a stop codon within coding exon 7. This variant was reported in individual(s) with features consistent with Danon disease (Garcia-Pavia P et al. Eur J Heart Fail, 2011 Nov;13:1193-201; Van Der Starre P et al. Muscle Nerve, 2013 Jan;47:135-7; Walsh R et al. Genet Med, 2017 Feb;19:192-203; Sugie K et al. Int J Mol Sci, 2018 Nov;19:; Kavousi S et al. Cell J, 2024 Jan;26:39-50). This variant is considered to be rare based on population cohorts in the Genome Aggregation Database (gnomAD). This alteration is expected to result in loss of function by premature protein truncation or nonsense-mediated mRNA decay. As such, this alteration is interpreted as a disease-causing mutation.

GeneDx
Classification: Pathogenic. Last evaluated: 2025-05-21. Review status: criteria provided, single submitter. Criteria: GeneDx Variant Classification Process June 2021. Collection method: clinical testing. Allele origin: germline. Affected: yes.
Comment: Reported in association with cardiomyopathy in published literature (PMID: 21896538, 27532257); Nonsense variant predicted to result in protein truncation or nonsense mediated decay in a gene for which loss of function is a known mechanism of disease; Not observed at significant frequency in large population cohorts (gnomAD); This variant is associated with the following publications: (PMID: 27532257, 22695892, 20445193, 28138913, 38351728, 18465145, 21896538)

Labcorp Genetics (formerly Invitae), Labcorp
Classification: Pathogenic for Danon disease. Last evaluated: 2024-02-24. Review status: criteria provided, single submitter. Criteria: Invitae Variant Classification Sherloc (09022015). Collection method: clinical testing. Allele origin: germline.
Comment: This sequence change creates a premature translational stop signal (p.Arg293*) in the LAMP2 gene. It is expected to result in an absent or disrupted protein product. Loss-of-function variants in LAMP2 are known to be pathogenic (PMID: 21415759). This variant is not present in population databases (gnomAD no frequency). This premature translational stop signal has been observed in individuals with Danon disease or hypertrophic cardiomyopathy (PMID: 20960602, 21896538, 23168931). ClinVar contains an entry for this variant (Variation ID: 163812). Algorithms developed to predict the effect of sequence changes on RNA splicing suggest that this variant may disrupt the consensus splice site. For these reasons, this variant has been classified as Pathogenic.

Blueprint Genetics
Classification: Pathogenic for LAMP2-related disorders. Last evaluated: 2022-12-13. Review status: criteria provided, single submitter. Criteria: ACMG Guidelines, 2015. Collection method: clinical testing. Allele origin: germline. Affected: yes. Observed: 4 variant alleles.

Clinical Genetics Laboratory, Skane University Hospital Lund
Classification: Pathogenic. Last evaluated: 2022-05-27. Review status: criteria provided, single submitter. Criteria: ACMG Guidelines, 2015. Collection method: clinical testing. Allele origin: germline. Affected: yes.

Eurofins Ntd Llc (ga)
Classification: Pathogenic. Last evaluated: 2017-05-02. Review status: criteria provided, single submitter. Criteria: EGL Classification Definitions 2015. Collection method: clinical testing. Allele origin: germline. Observed: 1 variant allele, 1 heterozygote.

Laboratory for Molecular Medicine, Mass General Brigham Personalized Medicine
Classification: Pathogenic for Hypertrophic cardiomyopathy; Danon disease. Last evaluated: 2015-04-23. Review status: criteria provided, single submitter. Criteria: LMM Criteria. Collection method: clinical testing. Allele origin: germline. Observed: 3 variant alleles.
Comment: The p.Arg293X variant in LAMP2 has been reported in 4 individuals with with clin ical findings consistent with Danon disease and occured de novo in 1 of these in dividuals (Lascone 2008, Katznerg 201, Garcia-Pavia 2011). The variant was abse nt from large population studies. This nonsense variant leads to a premature ter mination codon at position 293, which is predicted to lead to a truncated or abs ent protein. Loss of function of the LAMP2 gene is known to cause Danon disease, an X-lined glycogen storage disease that includes cardiomyopathy (HCM and DCM) and skeletal myopathy (Boucek 2011). In summary, this variant meets our criteria to be classified as pathogenic for Danon disease in an X-linked dominant manner based upon predicted impact to the protein, de novo occurrence, and absence from controls.

Literature cited by the submitters: PubMed 21896538 (cited by 3 submitters); PubMed 23168931 (cited by Ambry Genetics and Labcorp Genetics (formerly Invitae), Labcorp); PubMed 27532257 (cited by Ambry Genetics); PubMed 30413001 (cited by Ambry Genetics); PubMed 38351728 (cited by Ambry Genetics); PubMed 21415759 (cited by Labcorp Genetics (formerly Invitae), Labcorp); PubMed 20960602 (cited by Labcorp Genetics (formerly Invitae), Labcorp); PubMed 20445193 (cited by Laboratory for Molecular Medicine, Mass General Brigham Personalized Medicine); PubMed 22695892 (cited by Laboratory for Molecular Medicine, Mass General Brigham Personalized Medicine).